The following is an entry in ClinVar:

ClinVar aggregate classification (germline): Conflicting classifications of pathogenicity. Review status: criteria provided, conflicting classifications (1 of 4 stars). 2 submissions from 2 submitters: Uncertain significance (1); Likely benign (1). Last evaluated 2024-12-04.

Allele frequency attached by ClinVar (database versions not stated): ExAC 0.00002; gnomAD exomes 0.00004; TOPMed 0.00005; gnomAD 0.00008.
gnomAD v4.1: 63 of 1,612,176 alleles (0.0039%); highest among the groups gnomAD compares: Non-Finnish European, 0.0051%; no homozygotes.

Submissions (2):

Ambry Genetics
Classification: Likely benign. Last evaluated: 2024-12-04. Review status: criteria provided, single submitter. Criteria: Ambry Variant Classification Scheme 2023. Collection method: clinical testing. Allele origin: germline.

Labcorp Genetics (formerly Invitae), Labcorp
Classification: Uncertain significance. Last evaluated: 2023-03-20. Review status: criteria provided, single submitter. Criteria: Invitae Variant Classification Sherloc (09022015). Collection method: clinical testing. Allele origin: germline.
Comment: This sequence change replaces glycine, which is neutral and non-polar, with serine, which is neutral and polar, at codon 289 of the NFATC1 protein (p.Gly289Ser). This variant is present in population databases (rs754370015, gnomAD 0.007%). In summary, the available evidence is currently insufficient to determine the role of this variant in disease. Therefore, it has been classified as a Variant of Uncertain Significance. Algorithms developed to predict the effect of missense changes on protein structure and function output the following: SIFT: "Not Available"; PolyPhen-2: "Benign"; Align-GVGD: "Not Available". The serine amino acid residue is found in multiple mammalian species, which suggests that this missense change does not adversely affect protein function. This variant has not been reported in the literature in individuals affected with NFATC1-related conditions.

NM_001278669.2(NFATC1):c.865G>A (p.Gly289Ser)

Gene: NFATC1 (nuclear factor of activated T cells 1; plus strand). Cytogenetic location: 18q23.
Variant type: single nucleotide variant.
Coding change: c.865G>A on transcript NM_001278669.2 (MANE Select); coding-DNA position 865, G replaced by A.
Protein change: p.Gly289Ser; replaces glycine 289 with serine.
Molecular consequence: missense variant. On other transcripts: intron variant (2).
Genome position (GRCh38, 1-based): chr18:79,411,140, G>A. VCF-style: chr18-79411140-G-A. GRCh37 (hg19) VCF-style: chr18-77171140-G-A.
Other names: c.865G>A, p.Gly289Ser (NM_001278670.2, NM_006162.5, NM_172390.3); c.826G>A, p.Gly276Ser (NM_001278672.2, NM_001278675.2, NM_172387.3 and 1 more transcripts); c.-191+14789G>A (NM_172388.3); c.-191+10661G>A (NM_001278673.2); c.826G>A (NM_172387.1); short protein forms G276S, G289S.
Identifiers: ClinVar variation 2896254 (VCV002896254.4), dbSNP rs754370015, ClinGen allele CA9008958.